The following is an entry in ClinVar:

NM_001366722.1(GRIP1):c.1355-8_1357del

Gene: GRIP1 (glutamate receptor interacting protein 1; minus strand). Cytogenetic location: 12q14.3.
Variant type: Deletion.
Coding change: c.1355-8_1357del on transcript NM_001366722.1 (MANE Select); 8 bases into the intron before coding-DNA position 1355 through coding-DNA position 1357, 11 bases deleted (TCCTCTAGTGT).
Molecular consequence: splice acceptor variant.
Genome position (GRCh38, 1-based): chr12:66,445,506-66,445,516, ACACTAGAGGA deleted on the plus strand (TCCTCTAGTGT on the coding strand, the reverse complement: GRIP1 is on the minus strand); deleting any 11 consecutive bases within chr12:66,445,506-66,445,519 gives the same sequence; the c. name uses the placement nearest the transcript's 3' end. VCF-style (leftmost placement, unchanged base first): chr12-66445505-GACACTAGAGGA-G. GRCh37 (hg19) VCF-style: chr12-66839285-GACACTAGAGGA-G.
Other names: c.1199-8_1201del (NM_001379351.1, NM_001178074.2, NM_021150.4); c.1202-8_1204del (NM_001379349.1); c.1274-8_1276del (NM_001379348.1, NM_001366723.1); c.1277-8_1279del (NM_001379347.1, NM_001366724.1); c.1433-8_1435del (NM_001379345.1); c.1355-8_1357del (NM_001379346.1).
Identifiers: ClinVar variation 3644771 (VCV003644771.2).
Genomic context (GRCh38, chr12:66,445,505, plus strand): 5'-ACCTCTGTGGTTTCTGTGTGAACAACCTGCCCAGCCAATCCTACTGTGCTGGAGGCTAAG[GACACTAGAGGA>G]ACAAACAGAAAATACTGACTTTAGGTTGGAGCAAGCACCAGGAATACCAGCATTTCCAAA-3'

ClinVar aggregate classification (germline): Likely pathogenic (1 of 4 stars; one submission).

Submission:

Labcorp Genetics (formerly Invitae), Labcorp
Classification: Likely pathogenic. Last evaluated: 2024-03-13. Review status: criteria provided, single submitter. Criteria: Invitae Variant Classification Sherloc (09022015). Collection method: clinical testing. Allele origin: germline.
Comment: This variant results in the deletion of part of exon 11 (c.1199-8_1201del) of the GRIP1 gene. It is expected to disrupt RNA splicing. Variants that disrupt the donor or acceptor splice site typically lead to a loss of protein function (PMID: 16199547), and loss-of-function variants in GRIP1 are known to be pathogenic (PMID: 22510445, 24357607). This variant is not present in population databases (gnomAD no frequency). This variant has not been reported in the literature in individuals affected with GRIP1-related conditions. In summary, the currently available evidence indicates that the variant is pathogenic, but additional data are needed to prove that conclusively. Therefore, this variant has been classified as Likely Pathogenic.

Literature cited by the submitters: PubMed 16199547; PubMed 22510445; PubMed 24357607.